The following is an entry in ClinVar:

NM_144997.7(FLCN):c.871+149C>G

Gene: FLCN (folliculin; minus strand). Cytogenetic location: 17p11.2.
Variant type: single nucleotide variant.
Coding change: c.871+149C>G on transcript NM_144997.7 (MANE Select); 149 bases into the intron after coding-DNA position 871, C replaced by G.
Molecular consequence: intron variant. On other transcripts: missense variant (1).
Genome position (GRCh38, 1-based): chr17:17,221,388, G>C on the plus strand (C>G on the coding strand, the complement: FLCN is on the minus strand). VCF-style: chr17-17221388-G-C. GRCh37 (hg19) VCF-style: chr17-17124702-G-C.
Other names: c.1020C>G, p.Ile340Met (NM_144606.7); c.871+149C>G (NM_001353231.2, NM_001353230.2); c.925+149C>G (NM_001353229.2); short protein forms I340M.
Identifiers: ClinVar variation 5021856 (VCV005021856.1).

ClinVar aggregate classification (germline): Uncertain significance (1 of 4 stars; one submission).

Conditions:
Hereditary cancer-predisposing syndrome. Also called: Neoplastic Syndromes, Hereditary; Tumor predisposition; Hereditary neoplastic syndrome; Hereditary Cancer Syndrome. Identifiers: Orphanet 140162, MedGen C0027672, MeSH D009386, MONDO:0015356.

Submission:

Ambry Genetics
Classification: Uncertain significance for Hereditary cancer-predisposing syndrome. Last evaluated: 2026-07-07. Review status: criteria provided, single submitter. Criteria: Ambry Variant Classification Scheme 2023. Collection method: clinical testing. Allele origin: germline.
Comment: The p.I340M variant (also known as c.1020C>G), located in coding exon 5 of the FLCN gene, results from a C to G substitution at nucleotide position 1020. The isoleucine at codon 340 is replaced by methionine, an amino acid with highly similar properties. This amino acid position is conserved. In addition, this alteration is predicted to be tolerated by in silico analysis. Based on the available evidence, the clinical significance of this variant remains unclear.